The following is an entry in ClinVar:

NM_000135.4(FANCA):c.3467T>A (p.Leu1156Gln)

Gene: FANCA (FA complementation group A; minus strand). Cytogenetic location: 16q24.3.
Variant type: single nucleotide variant.
Coding change: c.3467T>A on transcript NM_000135.4 (MANE Select); coding-DNA position 3467, T replaced by A.
Protein change: p.Leu1156Gln; replaces leucine 1156 with glutamine.
Molecular consequence: missense variant.
Genome position (GRCh38, 1-based): chr16:89,746,630, A>T on the plus strand (T>A on the coding strand, the complement: FANCA is on the minus strand). VCF-style: chr16-89746630-A-T. GRCh37 (hg19) VCF-style: chr16-89813038-A-T.
Other names: c.3467T>A, p.Leu1156Gln (NM_001286167.3); short protein forms L1156Q.
Identifiers: ClinVar variation 1365163 (VCV001365163.8), dbSNP rs1281597417, ClinGen allele CA397485913.
Genomic context (GRCh38, chr16:89,746,630, plus strand): 5'-GACAGCTGACCCACCAGAGCAGAGGTCAAAATTAAGGGGCATTTCGTCTGGCACTTGGCC[A>T]GTATGAAGTCGACCATCAGGGAGGGGTCTCTGCTCCGCAGACAGGCGTTCAGGAGGCCCT-3'
Protein context (NP_000126.2, residues 1146-1166): RDPSLMVDFI[Leu1156Gln]AKCQTKCPLI

ClinVar aggregate classification (germline): Uncertain significance (1 of 4 stars; one submission).

Conditions:
Fanconi anemia (FA). Also called: Fanconi's anemia. Identifiers: Orphanet 84, MedGen C0015625, MeSH D005199, MONDO:0019391.

Submission:

Labcorp Genetics (formerly Invitae), Labcorp
Classification: Uncertain significance for Fanconi anemia. Last evaluated: 2021-01-16. Review status: criteria provided, single submitter. Criteria: Invitae Variant Classification Sherloc (09022015). Collection method: clinical testing. Allele origin: germline.
Comment: This sequence change replaces leucine with glutamine at codon 1156 of the FANCA protein (p.Leu1156Gln). The leucine residue is moderately conserved and there is a moderate physicochemical difference between leucine and glutamine. This variant is not present in population databases (ExAC no frequency). This variant has not been reported in the literature in individuals with FANCA-related conditions. Advanced modeling of protein sequence and biophysical properties (such as structural, functional, and spatial information, amino acid conservation, physicochemical variation, residue mobility, and thermodynamic stability) performed at Invitae indicates that this missense variant is expected to disrupt FANCA protein function. Algorithms developed to predict the effect of sequence changes on RNA splicing suggest that this variant may create or strengthen a splice site, but this prediction has not been confirmed by published transcriptional studies. In summary, the available evidence is currently insufficient to determine the role of this variant in disease. Therefore, it has been classified as a Variant of Uncertain Significance.